The following is an entry in ClinVar:

ClinVar aggregate classification (germline): Uncertain significance (1 of 4 stars; one submission).

Conditions:
Werner syndrome (WRN). Identifiers: Orphanet 902, MedGen C0043119, MONDO:0010196, OMIM 277700.

Submission:

Labcorp Genetics (formerly Invitae), Labcorp
Classification: Uncertain significance for Werner syndrome. Last evaluated: 2019-11-06. Review status: criteria provided, single submitter. Criteria: Invitae Variant Classification Sherloc (09022015). Collection method: clinical testing. Allele origin: germline.
Comment: This variant is not present in population databases (ExAC no frequency). This variant, c.1143_1145del, results in the deletion of 1 amino acid(s) of the WRN protein (p.Asn381del), but otherwise preserves the integrity of the reading frame. This variant has not been reported in the literature in individuals with WRN-related conditions. In summary, the available evidence is currently insufficient to determine the role of this variant in disease. Therefore, it has been classified as a Variant of Uncertain Significance. Experimental studies and prediction algorithms are not available or were not evaluated, and the functional significance of this variant is currently unknown.

NM_000553.6(WRN):c.1140CAA[1] (p.Asn381del)

Gene: WRN (WRN RecQ like helicase; plus strand). Cytogenetic location: 8p12.
Variant type: Microsatellite.
Coding change: c.1140CAA[1] on transcript NM_000553.6 (MANE Select); one copy of the 3-base unit CAA starting at c.1140; the reference has two copies in a row; one copy, 3 bases deleted.
Protein change: p.Asn381del; deletes asparagine 381.
Molecular consequence: inframe deletion.
Genome position (GRCh38, 1-based): chr8:31,081,170-31,081,172, CAA deleted; deleting any 3 consecutive bases within chr8:31,081,166-31,081,172 gives the same sequence; the position shown is the placement nearest the transcript's 3' end. VCF-style (leftmost placement, unchanged base first): chr8-31081165-GACA-G. GRCh37 (hg19) VCF-style: chr8-30938681-GACA-G.
Other names: short protein forms N381del.
Identifiers: ClinVar variation 957819 (VCV000957819.6), dbSNP rs1813294934, ClinGen allele CA2497474688.